The following is an entry in ClinVar:

ClinVar aggregate classification (germline): Uncertain significance. Review status: criteria provided, multiple submitters, no conflicts (2 of 4 stars). 2 submissions from 2 submitters: Uncertain significance (2). Last evaluated 2023-12-07.

Allele frequency attached by ClinVar (database versions not stated): TOPMed below 0.00001; ExAC 0.00001; gnomAD 0.00001; gnomAD exomes 0.00001; 1000 Genomes Project 30x 0.00016; 1000 Genomes Project 0.00020.
gnomAD v4.1: 10 of 1,614,084 alleles (0.00062%); highest among the groups gnomAD compares: South Asian, 0.0011%; no homozygotes.

Submissions (2):

GeneDx
Classification: Uncertain significance. Last evaluated: 2023-12-07. Review status: criteria provided, single submitter. Criteria: GeneDx Variant Classification Process June 2021. Collection method: clinical testing. Allele origin: germline. Affected: yes.
Comment: Not observed at significant frequency in large population cohorts (gnomAD); In silico analysis supports that this missense variant has a deleterious effect on protein structure/function; Has not been previously published as pathogenic or benign in a patient with a FAT4-related disorder to our knowledge; This variant is associated with the following publications: (PMID: Shinwari2023[Article])

Labcorp Genetics (formerly Invitae), Labcorp
Classification: Uncertain significance. Last evaluated: 2022-08-15. Review status: criteria provided, single submitter. Criteria: Invitae Variant Classification Sherloc (09022015). Collection method: clinical testing. Allele origin: germline.
Comment: This sequence change replaces arginine, which is basic and polar, with cysteine, which is neutral and slightly polar, at codon 4799 of the FAT4 protein (p.Arg4799Cys). This variant is present in population databases (rs199895179, gnomAD 0.002%). This variant has not been reported in the literature in individuals affected with FAT4-related conditions. ClinVar contains an entry for this variant (Variation ID: 1442940). Algorithms developed to predict the effect of missense changes on protein structure and function (SIFT, PolyPhen-2, Align-GVGD) all suggest that this variant is likely to be disruptive. In summary, the available evidence is currently insufficient to determine the role of this variant in disease. Therefore, it has been classified as a Variant of Uncertain Significance.

NM_001291303.3(FAT4):c.14401C>T (p.Arg4801Cys)

Gene: FAT4 (FAT atypical cadherin 4; plus strand). Cytogenetic location: 4q28.1.
Variant type: single nucleotide variant.
Coding change: c.14401C>T on transcript NM_001291303.3 (MANE Select); coding-DNA position 14401, C replaced by T.
Protein change: p.Arg4801Cys; replaces arginine 4801 with cysteine.
Molecular consequence: missense variant.
Genome position (GRCh38, 1-based): chr4:125,491,217, C>T. VCF-style: chr4-125491217-C-T. GRCh37 (hg19) VCF-style: chr4-126412372-C-T.
Other names: c.14398C>T, p.Arg4800Cys (NM_001291285.3); c.14395C>T, p.Arg4799Cys (NM_024582.6); c.14395C>T (NM_024582.4); short protein forms R4801C, R4799C, R4800C.
Identifiers: ClinVar variation 1442940 (VCV001442940.6), dbSNP rs199895179, ClinGen allele CA3074557.